The following is an entry in ClinVar:

ClinVar aggregate classification (germline): Uncertain significance (1 of 4 stars; one submission).

Conditions:
Leber congenital amaurosis 7 (LCA7). Identifiers: Orphanet 65, MedGen C3151192, MONDO:0013449, OMIM 613829.
Cone-rod dystrophy 2 (CORD2). Also called: CONE-ROD RETINAL DYSTROPHY; Cone-rod retinal dystrophy 2. Identifiers: Orphanet 1872, MedGen C3489532, MONDO:0007362, OMIM 120970.

Submission:

Labcorp Genetics (formerly Invitae), Labcorp
Classification: Uncertain significance for Cone-rod dystrophy 2; Leber congenital amaurosis 7. Last evaluated: 2022-06-29. Review status: criteria provided, single submitter. Criteria: Invitae Variant Classification Sherloc (09022015). Collection method: clinical testing. Allele origin: germline.
Comment: In summary, the available evidence is currently insufficient to determine the role of this variant in disease. Therefore, it has been classified as a Variant of Uncertain Significance. Algorithms developed to predict the effect of missense changes on protein structure and function (SIFT, PolyPhen-2, Align-GVGD) all suggest that this variant is likely to be disruptive. This variant has not been reported in the literature in individuals affected with CRX-related conditions. This variant is not present in population databases (gnomAD no frequency). This sequence change replaces cysteine, which is neutral and slightly polar, with tyrosine, which is neutral and polar, at codon 94 of the CRX protein (p.Cys94Tyr).

NM_000554.6(CRX):c.281G>A (p.Cys94Tyr)

Gene: CRX (cone-rod homeobox; plus strand). Cytogenetic location: 19q13.33.
Variant type: single nucleotide variant.
Coding change: c.281G>A on transcript NM_000554.6 (MANE Select); coding-DNA position 281, G replaced by A.
Protein change: p.Cys94Tyr; replaces cysteine 94 with tyrosine.
Molecular consequence: missense variant.
Genome position (GRCh38, 1-based): chr19:47,839,348, G>A. VCF-style: chr19-47839348-G-A. GRCh37 (hg19) VCF-style: chr19-48342605-G-A.
Other names: short protein forms C94Y.
Identifiers: ClinVar variation 2012359 (VCV002012359.4), dbSNP rs2514255673, ClinGen allele CA406630314.
Genomic context (GRCh38, chr19:47,839,348, plus strand): 5'-TACCCACCCCCATCTCCGCTCTTATCCCCCAGGTTTGGTTCAAGAACCGGAGGGCTAAAT[G>A]CAGGCAGCAGCGACAGCAGCAGAAACAGCAGCAGCAGCCCCCAGGGGGCCAGGCCAAGGC-3'
Protein context (NP_000545.1, residues 84-104): QVWFKNRRAK[Cys94Tyr]RQQRQQQKQQ